The following is an entry in ClinVar:

NM_019098.5(CNGB3):c.1484A>C (p.Glu495Ala)

Gene: CNGB3 (cyclic nucleotide gated channel subunit beta 3; minus strand). Cytogenetic location: 8q21.3.
Variant type: single nucleotide variant.
Coding change: c.1484A>C on transcript NM_019098.5 (MANE Select); coding-DNA position 1484, A replaced by C.
Protein change: p.Glu495Ala; replaces glutamic acid 495 with alanine.
Molecular consequence: missense variant.
Genome position (GRCh38, 1-based): chr8:86,626,077, T>G on the plus strand (A>C on the coding strand, the complement: CNGB3 is on the minus strand). VCF-style: chr8-86626077-T-G. GRCh37 (hg19) VCF-style: chr8-87638305-T-G.
Other names: c.1484A>C (NM_019098.4); short protein forms E495A.
Identifiers: ClinVar variation 1400379 (VCV001400379.5), dbSNP rs142387860, ClinGen allele CA4800001.

ClinVar aggregate classification (germline): Uncertain significance. Review status: criteria provided, multiple submitters, no conflicts (2 of 4 stars). 3 submissions from 3 submitters: Uncertain significance (3). Last evaluated 2023-07-19.

Conditions:
Inborn genetic diseases. Identifiers: MedGen C0950123, MeSH D030342.

Allele frequency attached by ClinVar (database versions not stated): ExAC 0.00001; gnomAD exomes 0.00002 and 0.00005; TOPMed 0.00003; gnomAD 0.00004; ESP Exome Variant Server 0.00008.
gnomAD v4.1: 83 of 1,609,830 alleles (0.0052%); highest among the groups gnomAD compares: Non-Finnish European, 0.0069%; no homozygotes.

Submissions (3):

Blueprint Genetics
Classification: Uncertain significance. Last evaluated: 2023-07-19. Review status: criteria provided, single submitter. Criteria: ACMG Guidelines, 2015. Collection method: clinical testing. Allele origin: germline.

Labcorp Genetics (formerly Invitae), Labcorp
Classification: Uncertain significance. Last evaluated: 2022-08-23. Review status: criteria provided, single submitter. Criteria: Invitae Variant Classification Sherloc (09022015). Collection method: clinical testing. Allele origin: germline.
Comment: This sequence change replaces glutamic acid, which is acidic and polar, with alanine, which is neutral and non-polar, at codon 495 of the CNGB3 protein (p.Glu495Ala). This variant is present in population databases (rs142387860, gnomAD 0.006%). This variant has not been reported in the literature in individuals affected with CNGB3-related conditions. ClinVar contains an entry for this variant (Variation ID: 1400379). Advanced modeling of protein sequence and biophysical properties (such as structural, functional, and spatial information, amino acid conservation, physicochemical variation, residue mobility, and thermodynamic stability) performed at Invitae indicates that this missense variant is expected to disrupt CNGB3 protein function. In summary, the available evidence is currently insufficient to determine the role of this variant in disease. Therefore, it has been classified as a Variant of Uncertain Significance.

Ambry Genetics
Classification: Uncertain significance for Inborn genetic diseases. Last evaluated: 2022-02-03. Review status: criteria provided, single submitter. Criteria: Ambry Variant Classification Scheme 2023. Collection method: clinical testing. Allele origin: germline.